The following is an entry in ClinVar:

NM_152309.3(PIK3AP1):c.1452G>T (p.Met484Ile)

Gene: PIK3AP1 (phosphoinositide-3-kinase adaptor protein 1; minus strand). Cytogenetic location: 10q24.1.
Variant type: single nucleotide variant.
Coding change: c.1452G>T on transcript NM_152309.3 (MANE Select); coding-DNA position 1452, G replaced by T.
Protein change: p.Met484Ile; replaces methionine 484 with isoleucine.
Molecular consequence: missense variant.
Genome position (GRCh38, 1-based): chr10:96,628,417, C>A on the plus strand (G>T on the coding strand, the complement: PIK3AP1 is on the minus strand). VCF-style: chr10-96628417-C-A. GRCh37 (hg19) VCF-style: chr10-98388174-C-A.
Other names: short protein forms M484I.
Identifiers: ClinVar variation 1056538 (VCV001056538.9), dbSNP rs2134208820, ClinGen allele CA377756562.
Genomic context (GRCh38, chr10:96,628,417, plus strand): 5'-CTTTTGCTCTTTTGGCTTCCCTGCTCATGGCTATGACTTACCTTCTAAAAACTTGCGGAT[C>A]ATAGAGTCCTTAGTGGCCCGAGAGAAACCATCTCCAGGGATTGGGTTAGATGTACTGGCC-3'
Protein context (NP_689522.2, residues 474-494): DGFSRATKDS[Met484Ile]IRKFLEGNSM

ClinVar aggregate classification (germline): Uncertain significance (1 of 4 stars; one submission).

Conditions:
Infantile spasms. Also called: Infantile spasm. Identifiers: MedGen C3887898, HP:0012469.

Allele frequency attached by ClinVar (database versions not stated): gnomAD exomes below 0.00001.
gnomAD v4.1: 2 of 1,612,394 alleles (0.00012%); highest among the groups gnomAD compares: Non-Finnish European, 0.00017%; no homozygotes.

Submission:

Labcorp Genetics (formerly Invitae), Labcorp
Classification: Uncertain significance for Infantile spasms. Last evaluated: 2020-06-26. Review status: criteria provided, single submitter. Criteria: Invitae Variant Classification Sherloc (09022015). Collection method: clinical testing. Allele origin: germline.
Comment: In summary, the available evidence is currently insufficient to determine the role of this variant in disease. Therefore, it has been classified as a Variant of Uncertain Significance. Algorithms developed to predict the effect of missense changes on protein structure and function output the following: SIFT: "Tolerated"; PolyPhen-2: "Benign"; Align-GVGD: "Class C0". The isoleucine amino acid residue is found in multiple mammalian species, suggesting that this missense change does not adversely affect protein function. These predictions have not been confirmed by published functional studies and their clinical significance is uncertain. This variant has not been reported in the literature in individuals with PIK3AP1-related conditions. This variant is not present in population databases (ExAC no frequency). This sequence change replaces methionine with isoleucine at codon 484 of the PIK3AP1 protein (p.Met484Ile). The methionine residue is moderately conserved and there is a small physicochemical difference between methionine and isoleucine.